The following is an entry in ClinVar:

NM_006892.4(DNMT3B):c.1475A>G (p.Asn492Ser)

Gene: DNMT3B (DNA methyltransferase 3 beta; plus strand). Cytogenetic location: 20q11.21.
Variant type: single nucleotide variant.
Coding change: c.1475A>G on transcript NM_006892.4 (MANE Select); coding-DNA position 1475, A replaced by G.
Protein change: p.Asn492Ser; replaces asparagine 492 with serine.
Molecular consequence: missense variant.
Genome position (GRCh38, 1-based): chr20:32,797,284, A>G. VCF-style: chr20-32797284-A-G. GRCh37 (hg19) VCF-style: chr20-31385090-A-G.
Other names: c.1289A>G, p.Asn430Ser (NM_001207055.2, NM_001424354.1, NM_001424357.1); c.1187A>G, p.Asn396Ser (NM_001207056.2); c.1475A>G, p.Asn492Ser (NM_001424351.1, NM_001424355.1); c.1349A>G, p.Asn450Ser (NM_001424352.1, NM_001424356.1, NM_001424358.1); c.1415A>G, p.Asn472Ser (NM_001424353.1, NM_175848.2, NM_175849.2); c.1451A>G, p.Asn484Ser (NM_001424359.1, NM_175850.3); c.1325A>G, p.Asn442Ser (NM_001424360.1); short protein forms N430S, N450S, N472S, N484S, N396S, N442S, N492S.
Identifiers: ClinVar variation 2798245 (VCV002798245.3), dbSNP rs753800000, ClinGen allele CA9810596.

ClinVar aggregate classification (germline): Uncertain significance (1 of 4 stars; one submission).

Conditions:
Centromeric instability of chromosomes 1,9 and 16 and immunodeficiency (ICF1). Also called: IMMUNE DEFICIENCY, VARIABLE, WITH CENTROMERIC INSTABILITY OF CHROMOSOMES 1, 9, AND 16; IMMUNODEFICIENCY SYNDROME, VARIABLE; Immunodeficiency-centromeric instability-facial anomalies; CENTROMERIC INSTABILITY, IMMUNODEFICIENCY SYNDROME. Identifiers: Orphanet 2268, MedGen C0398788, MONDO:0000133.

Allele frequency attached by ClinVar (database versions not stated): ExAC 0.00001.
gnomAD v4.1: 1 of 1,614,094 alleles (0.000062%); highest among the groups gnomAD compares: Non-Finnish European, 0.000085%; no homozygotes.

Submission:

Labcorp Genetics (formerly Invitae), Labcorp
Classification: Uncertain significance for Centromeric instability of chromosomes 1,9 and 16 and immunodeficiency. Last evaluated: 2023-07-03. Review status: criteria provided, single submitter. Criteria: Invitae Variant Classification Sherloc (09022015). Collection method: clinical testing. Allele origin: germline.
Comment: This variant is not present in population databases (gnomAD no frequency). This sequence change replaces asparagine, which is neutral and polar, with serine, which is neutral and polar, at codon 492 of the DNMT3B protein (p.Asn492Ser). This variant has not been reported in the literature in individuals affected with DNMT3B-related conditions. In summary, the available evidence is currently insufficient to determine the role of this variant in disease. Therefore, it has been classified as a Variant of Uncertain Significance. Advanced modeling of protein sequence and biophysical properties (such as structural, functional, and spatial information, amino acid conservation, physicochemical variation, residue mobility, and thermodynamic stability) performed at Invitae indicates that this missense variant is not expected to disrupt DNMT3B protein function.